The following is an entry in ClinVar:

ClinVar aggregate classification (germline): Pathogenic/Likely pathogenic. Review status: criteria provided, multiple submitters, no conflicts (2 of 4 stars). 3 submissions from 3 submitters: Pathogenic (1); Likely pathogenic (2). Last evaluated 2026-01-07.

Conditions:
Fanconi anemia complementation group G. Also called: FANCG-Related Fanconi Anemia; Fanconi anemia group G. Identifiers: Orphanet 84, MedGen C3469527, MONDO:0013565, OMIM 614082.
Fanconi anemia (FA). Also called: Fanconi's anemia. Identifiers: Orphanet 84, MedGen C0015625, MeSH D005199, MONDO:0019391.

Allele frequency attached by ClinVar (database versions not stated): gnomAD exomes below 0.00001; TOPMed below 0.00001.
gnomAD v4.1: 3 of 1,614,090 alleles (0.00019%); highest among the groups gnomAD compares: Admixed American, 0.0033%; no homozygotes.

Submissions (3):

Labcorp Genetics (formerly Invitae), Labcorp
Classification: Pathogenic for Fanconi anemia. Last evaluated: 2026-01-07. Review status: criteria provided, single submitter. Criteria: Invitae Variant Classification Sherloc (09022015). Collection method: clinical testing. Allele origin: germline.
Comment: This sequence change creates a premature translational stop signal (p.Gln4*) in the FANCG gene. It is expected to result in an absent or disrupted protein product. Loss-of-function variants in FANCG are known to be pathogenic (PMID: 12552564). This variant is not present in population databases (gnomAD no frequency). This variant has not been reported in the literature in individuals affected with FANCG-related conditions. ClinVar contains an entry for this variant (Variation ID: 1457890). For these reasons, this variant has been classified as Pathogenic.

Natera, Inc.
Classification: Likely pathogenic for Fanconi anemia group G. Last evaluated: 2025-05-30. Review status: criteria provided, single submitter. Criteria: Natera Variant Classification Schema (03/2026). Collection method: clinical testing. Allele origin: germline.
Comment: The c.10C>T variant in FANCG is a nonsense variant predicted to introduce a stop codon at amino acid 4. This variant is expected to result in nonsense mediated decay, truncation, or a dysfunctional protein product. This variant is rare in the general population with a frequency below the threshold expected for the associated phenotype(s). Given the available evidence, this variant is classified as Likely Pathogenic.

Baylor Genetics
Classification: Likely pathogenic for Fanconi anemia complementation group G. Last evaluated: 2023-03-29. Review status: criteria provided, single submitter. Criteria: ACMG Guidelines, 2015. Collection method: clinical testing. Allele origin: unknown.

Literature cited by the submitters: PubMed 12552564 (cited by Labcorp Genetics (formerly Invitae), Labcorp).

NM_004629.2(FANCG):c.10C>T (p.Gln4Ter)

Gene: FANCG (FA complementation group G; minus strand). Cytogenetic location: 9p13.3.
Variant type: single nucleotide variant.
Coding change: c.10C>T on transcript NM_004629.2 (MANE Select); coding-DNA position 10, C replaced by T.
Protein change: p.Gln4Ter; replaces glutamine 4 with a stop codon.
Molecular consequence: nonsense.
Genome position (GRCh38, 1-based): chr9:35,079,515, G>A on the plus strand (C>T on the coding strand, the complement: FANCG is on the minus strand). VCF-style: chr9-35079515-G-A. GRCh37 (hg19) VCF-style: chr9-35079512-G-A.
Other names: c.10C>T (NM_004629.1); short protein forms Q4*.
Identifiers: ClinVar variation 1457890 (VCV001457890.8), dbSNP rs1326382443, ClinGen allele CA373316083.